The following is an entry in ClinVar:

ClinVar aggregate classification (germline): Pathogenic. Review status: criteria provided, multiple submitters, no conflicts (2 of 4 stars). 2 submissions from 2 submitters: Pathogenic (2). Last evaluated 2024-01-17.

Conditions:
Retinitis pigmentosa 39 (RP39). Identifiers: Orphanet 791, MedGen C3151138, MONDO:0013436, OMIM 613809.
Rare genetic deafness. Identifiers: Orphanet 96210, MedGen C5680250.

Submissions (2):

Baylor Genetics
Classification: Pathogenic for Retinitis pigmentosa 39. Last evaluated: 2024-01-17. Review status: criteria provided, single submitter. Criteria: ACMG Guidelines, 2015. Collection method: clinical testing. Allele origin: unknown.

Laboratory for Molecular Medicine, Mass General Brigham Personalized Medicine
Classification: Pathogenic for Rare genetic deafness. Last evaluated: 2013-03-11. Review status: criteria provided, single submitter. Criteria: LMM Criteria. Collection method: clinical testing. Allele origin: germline. Inheritance: Autosomal recessive inheritance. Observed: 1 variant allele.
Comment: The Gly1668fs variant in USH2A has not been reported in the literature nor previ ously identified by our laboratory. This frameshift variant is predicted to alte r the protein?s amino acid sequence beginning at position 1668 and lead to a pre mature termination codon 30 amino acids downstream. This alteration is then pred icted to lead to a truncated or absent protein. Therefore, this variant meets ou r criteria to be classified as pathogenic.

NM_206933.4(USH2A):c.5001dup (p.Gly1668fs)

Genes: USH2A (usherin; minus strand), USH2A-AS2 (USH2A antisense RNA 2; plus strand). Cytogenetic location: 1q41.
Variant type: Duplication.
Coding change: c.5001dup on transcript NM_206933.4 (MANE Select); coding-DNA position 5001, one base duplicated (A; older notation c.5001dupA).
Protein change: p.Gly1668fs; shifts the reading frame from glycine 1668.
Genome position (GRCh38, 1-based): chr1:216,084,864, T duplicated on the plus strand (A on the coding strand, the reverse complement: USH2A is on the minus strand); the first of 5 consecutive T bases (chr1:216,084,864-216,084,868); duplicating any one gives the same sequence. VCF-style (leftmost placement, unchanged base first): chr1-216084863-C-CT. GRCh37 (hg19) VCF-style: chr1-216258205-C-CT.
Other names: NM_206933.2:c.5001dupA; p.Gly1668ArgfsX30; short protein forms G1668fs.
Identifiers: ClinVar variation 48526 (VCV000048526.6), dbSNP rs397518018, ClinGen allele CA262104.